The following is an entry in ClinVar:

NM_000814.6(GABRB3):c.892C>T (p.Pro298Ser)

Gene: GABRB3 (gamma-aminobutyric acid type A receptor subunit beta3; minus strand). Cytogenetic location: 15q12.
Variant type: single nucleotide variant.
Coding change: c.892C>T on transcript NM_000814.6 (MANE Select); coding-DNA position 892, C replaced by T.
Protein change: p.Pro298Ser; replaces proline 298 with serine.
Molecular consequence: missense variant.
Genome position (GRCh38, 1-based): chr15:26,561,120, G>A on the plus strand (C>T on the coding strand, the complement: GABRB3 is on the minus strand). VCF-style: chr15-26561120-G-A. GRCh37 (hg19) VCF-style: chr15-26806267-G-A.
Other names: c.637C>T, p.Pro213Ser (NM_001191320.2, NM_001278631.2); c.679C>T, p.Pro227Ser (NM_001191321.3); c.892C>T, p.Pro298Ser (NM_021912.5); short protein forms P227S, P213S, P298S.
Identifiers: ClinVar variation 2011043 (VCV002011043.4), dbSNP rs2504153764, ClinGen allele CA391462204.

ClinVar aggregate classification (germline): Uncertain significance (1 of 4 stars; one submission).

Conditions:
Epilepsy, childhood absence, susceptibility to, 1. Also called: Epilepsy, childhood absence 1. Identifiers: Orphanet 64280, MedGen C1838604, MONDO:0020759, OMIM 600131.
Epilepsy, childhood absence, susceptibility to, 5. Identifiers: Orphanet 64280, MedGen C2677087, MONDO:0012843, OMIM 612269.

Submission:

Labcorp Genetics (formerly Invitae), Labcorp
Classification: Uncertain significance for Epilepsy, childhood absence, susceptibility to, 5; Epilepsy, childhood absence, susceptibility to, 1. Last evaluated: 2022-06-26. Review status: criteria provided, single submitter. Criteria: Invitae Variant Classification Sherloc (09022015). Collection method: clinical testing. Allele origin: germline.
Comment: This variant is not present in population databases (gnomAD no frequency). This sequence change replaces proline, which is neutral and non-polar, with serine, which is neutral and polar, at codon 298 of the GABRB3 protein (p.Pro298Ser). This variant has not been reported in the literature in individuals affected with GABRB3-related conditions. Advanced modeling of protein sequence and biophysical properties (such as structural, functional, and spatial information, amino acid conservation, physicochemical variation, residue mobility, and thermodynamic stability) performed at Invitae indicates that this missense variant is expected to disrupt GABRB3 protein function. In summary, the available evidence is currently insufficient to determine the role of this variant in disease. Therefore, it has been classified as a Variant of Uncertain Significance.